The following is an entry in ClinVar:

NM_021098.3(CACNA1H):c.4350+6T>C

Gene: CACNA1H (calcium voltage-gated channel subunit alpha1 H; plus strand). Cytogenetic location: 16p13.3.
Variant type: single nucleotide variant.
Coding change: c.4350+6T>C on transcript NM_021098.3 (MANE Select); 6 bases into the intron after coding-DNA position 4350, T replaced by C.
Molecular consequence: intron variant.
Genome position (GRCh38, 1-based): chr16:1,211,300, T>C. VCF-style: chr16-1211300-T-C. GRCh37 (hg19) VCF-style: chr16-1261300-T-C.
Other names: c.4350+6T>C (NM_021098.2, NM_001005407.2).
Identifiers: ClinVar variation 1045684 (VCV001045684.12), dbSNP rs367545564, ClinGen allele CA7801266.

ClinVar aggregate classification (germline): Conflicting classifications of pathogenicity. Review status: criteria provided, conflicting classifications (1 of 4 stars). 4 submissions from 4 submitters: Uncertain significance (2); Likely benign (1). 1 of the submissions does not count toward it. Last evaluated 2024-05-06.

Conditions:
Hyperaldosteronism, familial, type IV (HALD4). Also called: FH IV; ALDOSTERONISM, PRIMARY, AND HYPERTENSION. Identifiers: Orphanet 642671, MedGen C4310756, MONDO:0014875, OMIM 617027.
Idiopathic generalized epilepsy. Also called: EIG; Generalised epilepsy. Identifiers: MedGen C0270850, MONDO:0005579, OMIM 600669.
Epilepsy, childhood absence, susceptibility to, 6. Identifiers: Orphanet 64280, MedGen C2749872, MONDO:0012763, OMIM 611942.
CACNA1H-related disorder.

Allele frequency attached by ClinVar (database versions not stated): gnomAD 0.00001; gnomAD exomes 0.00002 and 0.00005; TOPMed 0.00002; ExAC 0.00003; ESP Exome Variant Server 0.00016.

Submissions (4):

Blueprint Genetics
Classification: Likely benign. Last evaluated: 2024-05-06. Review status: criteria provided, single submitter. Criteria: ACMG Guidelines, 2015. Collection method: clinical testing. Allele origin: germline.

Labcorp Genetics (formerly Invitae), Labcorp
Classification: Uncertain significance for Idiopathic generalized epilepsy; Hyperaldosteronism, familial, type IV. Last evaluated: 2023-07-19. Review status: criteria provided, single submitter. Criteria: Invitae Variant Classification Sherloc (09022015). Collection method: clinical testing. Allele origin: germline.
Comment: This sequence change falls in intron 22 of the CACNA1H gene. It does not directly change the encoded amino acid sequence of the CACNA1H protein. It affects a nucleotide within the consensus splice site. This variant is present in population databases (rs367545564, gnomAD 0.005%). This variant has not been reported in the literature in individuals affected with CACNA1H-related conditions. ClinVar contains an entry for this variant (Variation ID: 1045684). Variants that disrupt the consensus splice site are a relatively common cause of aberrant splicing (PMID: 17576681, 9536098). Algorithms developed to predict the effect of sequence changes on RNA splicing suggest that this variant may disrupt the consensus splice site. In summary, the available evidence is currently insufficient to determine the role of this variant in disease. Therefore, it has been classified as a Variant of Uncertain Significance.

Fulgent Genetics
Classification: Uncertain significance for Epilepsy, childhood absence, susceptibility to, 6; Hyperaldosteronism, familial, type IV. Last evaluated: 2022-03-08. Review status: criteria provided, single submitter. Criteria: ACMG Guidelines, 2015. Collection method: clinical testing. Allele origin: unknown.

PreventionGenetics, part of Exact Sciences
Classification: Likely benign for CACNA1H-related condition. Last evaluated: 2021-12-30. Review status: no assertion criteria provided. Collection method: clinical testing. Allele origin: germline. Not counted in ClinVar's aggregate classification.
Comment: This variant is classified as likely benign based on ACMG/AMP sequence variant interpretation guidelines (Richards et al. 2015 PMID: 25741868, with internal and published modifications).

Literature cited by the submitters: PubMed 17576681 (cited by Labcorp Genetics (formerly Invitae), Labcorp); PubMed 9536098 (cited by Labcorp Genetics (formerly Invitae), Labcorp).